The following is an entry in ClinVar:

ClinVar aggregate classification (germline): Uncertain significance. Review status: criteria provided, multiple submitters, no conflicts (2 of 4 stars). 2 submissions from 2 submitters: Uncertain significance (2). Last evaluated 2023-05-17.

Conditions:
Pitt-Hopkins-like syndrome 2 (PTHSL2). Identifiers: Orphanet 221150, Orphanet 600663, MedGen C3280479, MONDO:0013690, OMIM 614325.
Inborn genetic diseases. Identifiers: MedGen C0950123, MeSH D030342.

Allele frequency attached by ClinVar (database versions not stated): gnomAD exomes 0.00004; TOPMed 0.00004; ExAC 0.00005.
gnomAD v4.1: 17 of 1,613,040 alleles (0.0011%); highest among the groups gnomAD compares: East Asian, 0.027%; no homozygotes.

Submissions (2):

Ambry Genetics
Classification: Uncertain significance for Inborn genetic diseases. Last evaluated: 2023-05-17. Review status: criteria provided, single submitter. Criteria: Ambry Variant Classification Scheme 2023. Collection method: clinical testing. Allele origin: germline.

Labcorp Genetics (formerly Invitae), Labcorp
Classification: Uncertain significance for Pitt-Hopkins-like syndrome 2. Last evaluated: 2022-02-10. Review status: criteria provided, single submitter. Criteria: Invitae Variant Classification Sherloc (09022015). Collection method: clinical testing. Allele origin: germline.
Comment: This sequence change replaces proline, which is neutral and non-polar, with serine, which is neutral and polar, at codon 159 of the NRXN1 protein (p.Pro159Ser). This variant is present in population databases (rs770277678, gnomAD 0.05%). This variant has not been reported in the literature in individuals affected with NRXN1-related conditions. ClinVar contains an entry for this variant (Variation ID: 849467). Algorithms developed to predict the effect of missense changes on protein structure and function are either unavailable or do not agree on the potential impact of this missense change (SIFT: "Deleterious"; PolyPhen-2: "Benign"; Align-GVGD: "Class C0"). In summary, the available evidence is currently insufficient to determine the role of this variant in disease. Therefore, it has been classified as a Variant of Uncertain Significance.

NM_001330078.2(NRXN1):c.475C>T (p.Pro159Ser)

Gene: NRXN1 (neurexin 1; minus strand). Cytogenetic location: 2p16.3.
Variant type: single nucleotide variant.
Coding change: c.475C>T on transcript NM_001330078.2 (MANE Select); coding-DNA position 475, C replaced by T.
Protein change: p.Pro159Ser; replaces proline 159 with serine.
Molecular consequence: missense variant.
Genome position (GRCh38, 1-based): chr2:51,027,799, G>A on the plus strand (C>T on the coding strand, the complement: NRXN1 is on the minus strand). VCF-style: chr2-51027799-G-A. GRCh37 (hg19) VCF-style: chr2-51254937-G-A.
Other names: c.475C>T, p.Pro159Ser (NM_001135659.3, NM_001330077.2, NM_001330079.2 and 15 more transcripts); short protein forms P159S.
Identifiers: ClinVar variation 849467 (VCV000849467.8), dbSNP rs770277678, ClinGen allele CA1655476.